The following is an entry in ClinVar:

NM_020738.4(KIDINS220):c.3327G>A (p.Gly1109=)

Gene: KIDINS220 (kinase D interacting substrate 220; minus strand). Cytogenetic location: 2p25.1.
Variant type: single nucleotide variant.
Coding change: c.3327G>A on transcript NM_020738.4 (MANE Select); coding-DNA position 3327, G replaced by A.
Protein change: p.Gly1109=; no amino-acid change (glycine 1109 retained).
Molecular consequence: synonymous variant. On other transcripts: non-coding transcript variant (2).
Genome position (GRCh38, 1-based): chr2:8,750,199, C>T on the plus strand (G>A on the coding strand, the complement: KIDINS220 is on the minus strand). VCF-style: chr2-8750199-C-T. GRCh37 (hg19) VCF-style: chr2-8890329-C-T.
Other names: c.3330G>A, p.Gly1110= (NM_001348729.2, NM_001348731.2, NM_001348734.2 and 2 more transcripts); c.3327G>A, p.Gly1109= (NM_001348732.2, NM_001348735.2, NM_001348738.2 and 3 more transcripts); c.3201G>A, p.Gly1067= (NM_001348736.2).
Identifiers: ClinVar variation 4986274 (VCV004986274.1).

ClinVar aggregate classification (germline): Likely benign (1 of 4 stars; one submission).

Conditions:
KIDINS220-related disorder. Also called: KIDINS220-related condition.

gnomAD v4.1: 19 of 1,614,062 alleles (0.0012%); highest among the groups gnomAD compares: Admixed American, 0.0017%; no homozygotes.

Submission:

PreventionGenetics, part of Exact Sciences
Classification: Likely benign for KIDINS220-related condition. Last evaluated: 2026-07-02. Review status: criteria provided, single submitter. Criteria: ACMG Guidelines, 2015. Collection method: clinical testing. Allele origin: germline.
Comment: This variant is classified as likely benign based on ACMG/AMP sequence variant interpretation guidelines (Richards et al. 2015 PMID: 25741868, with internal and published modifications).